The following is an entry in ClinVar:

ClinVar aggregate classification (germline): Benign/Likely benign. Review status: criteria provided, multiple submitters, no conflicts (2 of 4 stars). 5 submissions from 5 submitters: Benign (1); Likely benign (4). Last evaluated 2025-07-25.

Conditions:
Hereditary cancer-predisposing syndrome. Also called: Hereditary Cancer Syndrome; Tumor predisposition; Neoplastic Syndromes, Hereditary; Hereditary neoplastic syndrome. Identifiers: Orphanet 140162, MedGen C0027672, MeSH D009386, MONDO:0015356.
Familial cancer of breast. Also called: hereditary breast carcinoma; BREAST CANCER, FAMILIAL; Hereditary breast cancer. Identifiers: Orphanet 227535, MedGen C0346153, MONDO:0016419, OMIM 114480. Disease mechanism: loss of function.
Ataxia-telangiectasia syndrome (AT). Also called: ATAXIA-TELANGIECTASIA, COMPLEMENTATION GROUP A; ATAXIA-TELANGIECTASIA, FRESNO VARIANT; Ataxia-telangiectasia; Ataxia-telangiectasia, complementation group E; Cerebello-oculocutaneous telangiectasia; Immunodeficiency with ataxia telangiectasia. Identifiers: Orphanet 100, MedGen C0004135, MONDO:0008840, OMIM 208900.

Allele frequency attached by ClinVar (database versions not stated): gnomAD exomes below 0.00001.
gnomAD v4.1: 1 of 1,613,714 alleles (0.000062%); highest among the groups gnomAD compares: Non-Finnish European, 0.000085%; no homozygotes.

Submissions (5):

Women's Health and Genetics/Laboratory Corporation of America, LabCorp
Classification: Likely benign. Last evaluated: 2025-07-25. Review status: criteria provided, single submitter. Criteria: LabCorp Variant Classification Summary - May 2015. Collection method: clinical testing. Allele origin: germline.

Myriad Genetics, Inc.
Classification: Benign for Familial cancer of breast. Last evaluated: 2024-06-20. Review status: criteria provided, single submitter. Criteria: Myriad Autosomal Dominant, Autosomal Recessive and X-Linked Classification Criteria (2023). Collection method: clinical testing. Allele origin: unknown.
Comment: This variant is considered benign. This variant is a silent/synonymous amino acid change and it is not expected to impact splicing.

Labcorp Genetics (formerly Invitae), Labcorp
Classification: Likely benign for Ataxia-telangiectasia syndrome. Last evaluated: 2023-07-10. Review status: criteria provided, single submitter. Criteria: Invitae Variant Classification Sherloc (09022015). Collection method: clinical testing. Allele origin: germline.

Color Diagnostics, LLC DBA Color Health
Classification: Likely benign for Hereditary cancer-predisposing syndrome. Last evaluated: 2018-07-03. Review status: criteria provided, single submitter. Criteria: ACMG Guidelines, 2015. Collection method: clinical testing. Allele origin: germline.

Ambry Genetics
Classification: Likely benign for Hereditary cancer-predisposing syndrome. Last evaluated: 2014-10-17. Review status: criteria provided, single submitter. Criteria: Ambry Variant Classification Scheme 2023. Collection method: clinical testing. Allele origin: germline.

NM_000051.4(ATM):c.8571T>C (p.Ala2857=)

Genes: C11orf65 (chromosome 11 open reading frame 65; minus strand), ATM (ATM serine/threonine kinase; plus strand). Cytogenetic location: 11q22.3.
Variant type: single nucleotide variant.
Coding change: c.8571T>C on transcript NM_000051.4 (MANE Select); coding-DNA position 8571, T replaced by C.
Protein change: p.Ala2857=; no amino-acid change (alanine 2857 retained).
Molecular consequence: synonymous variant. On other transcripts: intron variant (2).
Genome position (GRCh38, 1-based): chr11:108,345,895, T>C. VCF-style: chr11-108345895-T-C. GRCh37 (hg19) VCF-style: chr11-108216622-T-C.
Other names: c.8571T>C, p.Ala2857= (NM_001351834.2); c.641-36824A>G (NM_001330368.2); c.695-10603A>G (NM_001351110.2).
Identifiers: ClinVar variation 186569 (VCV000186569.18), dbSNP rs786203050, ClinGen allele CA195199.